The following is an entry in ClinVar:

NM_000274.4(OAT):c.500A>C (p.Lys167Thr)

Gene: OAT (ornithine aminotransferase; minus strand). Cytogenetic location: 10q26.13.
Variant type: single nucleotide variant.
Coding change: c.500A>C on transcript NM_000274.4 (MANE Select); coding-DNA position 500, A replaced by C.
Protein change: p.Lys167Thr; replaces lysine 167 with threonine.
Molecular consequence: missense variant. On other transcripts: 5 prime UTR variant (1), intron variant (1).
Genome position (GRCh38, 1-based): chr10:124,408,562, T>G on the plus strand (A>C on the coding strand, the complement: OAT is on the minus strand). VCF-style: chr10-124408562-T-G. GRCh37 (hg19) VCF-style: chr10-126097131-T-G.
Other names: c.86A>C, p.Lys29Thr (NM_001171814.2); c.500A>C, p.Lys167Thr (NM_001322965.2, NM_001322966.2, NM_001322967.2 and 3 more transcripts); c.-215A>C (NM_001322974.2); c.200-2999A>C (NM_001322971.2); short protein forms K167T, K29T.
Identifiers: ClinVar variation 2417462 (VCV002417462.7), dbSNP rs373609996, ClinGen allele CA5733522.
Genomic context (GRCh38, chr10:124,408,562, plus strand): 5'-TATGTTTCAATCATAGAAGTTAATATTTAATTTCACATACCTGCAAAAACAATCTTTGCT[T>G]TGTATTTCTGAATGCCCTTCACGGTATAGCCCCACTTACGAGCTAGTTTACAGGCAGTCT-3'
Protein context (NP_000265.1, residues 157-177): GYTVKGIQKY[Lys167Thr]AKIVFAAGNF

ClinVar aggregate classification (germline): Uncertain significance. Review status: criteria provided, multiple submitters, no conflicts (2 of 4 stars). 2 submissions from 2 submitters: Uncertain significance (2). Last evaluated 2022-11-10.

Conditions:
Ornithine aminotransferase deficiency (GACR). Also called: OKT DEFICIENCY; Ornithine ketoacid aminotransferase deficiency; Gyrate atrophy; Gyrate atrophy of choroid and retina; Girate atrophy of the retina; HYPERORNITHINEMIA WITH GYRATE ATROPHY OF CHOROID AND RETINA. Identifiers: Orphanet 414, MedGen C0018425, MONDO:0009796, OMIM 258870.

Allele frequency attached by ClinVar (database versions not stated): ExAC 0.00001; gnomAD 0.00001; TOPMed 0.00002; ESP Exome Variant Server 0.00008.

Submissions (2):

Blueprint Genetics
Classification: Uncertain significance. Last evaluated: 2022-11-10. Review status: criteria provided, single submitter. Criteria: ACMG Guidelines, 2015. Collection method: clinical testing. Allele origin: germline.

Labcorp Genetics (formerly Invitae), Labcorp
Classification: Uncertain significance for Ornithine aminotransferase deficiency. Last evaluated: 2022-05-25. Review status: criteria provided, single submitter. Criteria: Invitae Variant Classification Sherloc (09022015). Collection method: clinical testing. Allele origin: germline.
Comment: Algorithms developed to predict the effect of missense changes on protein structure and function are either unavailable or do not agree on the potential impact of this missense change (SIFT: "Deleterious"; PolyPhen-2: "Benign"; Align-GVGD: "Class C0"). In summary, the available evidence is currently insufficient to determine the role of this variant in disease. Therefore, it has been classified as a Variant of Uncertain Significance. This variant has not been reported in the literature in individuals affected with OAT-related conditions. This variant is present in population databases (rs373609996, gnomAD 0.007%). This sequence change replaces lysine, which is basic and polar, with threonine, which is neutral and polar, at codon 167 of the OAT protein (p.Lys167Thr).